The following is an entry in ClinVar:

ClinVar aggregate classification (germline): Likely benign (1 of 4 stars; one submission).

Allele frequency attached by ClinVar (database versions not stated): ExAC 0.00002; gnomAD exomes 0.00004; gnomAD 0.00012; TOPMed 0.00013; ESP Exome Variant Server 0.00019.
gnomAD v4.1: 61 of 1,209,551 alleles (0.005%); highest among the groups gnomAD compares: Non-Finnish European, 0.0066%; no homozygotes.

Submission:

CeGaT Center for Human Genetics Tuebingen
Classification: Likely benign. Last evaluated: 2022-10-01. Review status: criteria provided, single submitter. Criteria: CeGaT Center For Human Genetics Tuebingen Variant Classification Criteria Version 2. Collection method: clinical testing. Allele origin: germline. Affected: yes. Observed: 2 variant alleles.
Comment: GEMIN8: BP4, BP7

NM_001042479.2(GEMIN8):c.192C>T (p.Ser64=)

Gene: GEMIN8 (gem nuclear organelle associated protein 8; minus strand). Cytogenetic location: Xp22.2.
Variant type: single nucleotide variant.
Coding change: c.192C>T on transcript NM_001042479.2 (MANE Select); coding-DNA position 192, C replaced by T.
Protein change: p.Ser64=; no amino-acid change (serine 64 retained).
Molecular consequence: synonymous variant.
Genome position (GRCh38, 1-based): chrX:14,020,358, G>A on the plus strand (C>T on the coding strand, the complement: GEMIN8 is on the minus strand). VCF-style: chrX-14020358-G-A. GRCh37 (hg19) VCF-style: chrX-14038477-G-A.
Other names: c.192C>T, p.Ser64= (NM_001042480.2, NM_017856.3).
Identifiers: ClinVar variation 2660036 (VCV002660036.24), dbSNP rs137990246, ClinGen allele CA10352558.